The following is an entry in ClinVar:

NM_006231.4(POLE):c.5314G>C (p.Gly1772Arg)

Gene: POLE (DNA polymerase epsilon, catalytic subunit; minus strand). Cytogenetic location: 12q24.33.
Variant type: single nucleotide variant.
Coding change: c.5314G>C on transcript NM_006231.4 (MANE Select); coding-DNA position 5314, G replaced by C.
Protein change: p.Gly1772Arg; replaces glycine 1772 with arginine.
Molecular consequence: missense variant.
Genome position (GRCh38, 1-based): chr12:132,641,711, C>G on the plus strand (G>C on the coding strand, the complement: POLE is on the minus strand). VCF-style: chr12-132641711-C-G. GRCh37 (hg19) VCF-style: chr12-133218297-C-G.
Other names: short protein forms G1772R.
Identifiers: ClinVar variation 4141198 (VCV004141198.1).

ClinVar aggregate classification (germline): Uncertain significance (1 of 4 stars; one submission).

Conditions:
Hereditary cancer-predisposing syndrome. Also called: Hereditary neoplastic syndrome; Neoplastic Syndromes, Hereditary; Tumor predisposition; Hereditary Cancer Syndrome. Identifiers: Orphanet 140162, MedGen C0027672, MeSH D009386, MONDO:0015356.

Submission:

Ambry Genetics
Classification: Uncertain significance for Hereditary cancer-predisposing syndrome. Last evaluated: 2025-08-10. Review status: criteria provided, single submitter. Criteria: Ambry Variant Classification Scheme 2023. Collection method: clinical testing. Allele origin: germline.
Comment: The p.G1772R variant (also known as c.5314G>C), located in coding exon 39 of the POLE gene, results from a G to C substitution at nucleotide position 5314. The glycine at codon 1772 is replaced by arginine, an amino acid with dissimilar properties. This amino acid position is conserved. In addition, the in silico prediction for this alteration is inconclusive. Based on the available evidence, the clinical significance of this variant remains unclear.